The following is an entry in ClinVar:

ClinVar aggregate classification (germline): Pathogenic. Review status: criteria provided, multiple submitters, no conflicts (2 of 4 stars). 3 submissions from 3 submitters: Pathogenic (3). Last evaluated 2026-01-28.

Conditions:
Hematuria. Identifiers: MedGen C0018965, HP:0000790.
Autosomal recessive Alport syndrome (ATS2). Also called: ALPORT SYNDROME 2, AUTOSOMAL RECESSIVE; COL4A3-Related Nephropathy; Alport syndrome type 2; COL4A4 Alport Syndrome and Thin Basement Membrane Nephropathy. Identifiers: Orphanet 63, Orphanet 88919, MedGen C4746745, MONDO:0008762, OMIM 203780.

Submissions (3):

Labcorp Genetics (formerly Invitae), Labcorp
Classification: Pathogenic. Last evaluated: 2026-01-28. Review status: criteria provided, single submitter. Criteria: Invitae Variant Classification Sherloc (09022015). Collection method: clinical testing. Allele origin: germline.
Comment: This sequence change creates a premature translational stop signal (p.Gly184Valfs*35) in the COL4A4 gene. It is expected to result in an absent or disrupted protein product. Loss-of-function variants in COL4A4 are known to be pathogenic (PMID: 21196518, 24854265, 25307543). This variant is present in population databases (rs766798868, gnomAD 0.006%). This variant has not been reported in the literature in individuals affected with COL4A4-related conditions. ClinVar contains an entry for this variant (Variation ID: 4293827). For these reasons, this variant has been classified as Pathogenic.

Genetics Laboratory, Great Ormond Street Hospital NHS Foundation Trust, North Thames Genomic Laboratory Hub
Classification: Pathogenic for Haematuria. Last evaluated: 2025-09-11. Review status: criteria provided, single submitter. Criteria: ACGS Best Practice Guidelines for Variant Classification in Rare Disease 2024 v1.2. Collection method: clinical testing. Allele origin: germline. Affected: yes.
Comment: PM2_moderate, PVS1_very-strong

3billion
Classification: Pathogenic for Autosomal recessive Alport syndrome. Last evaluated: 2025-03-19. Review status: criteria provided, single submitter. Criteria: ACMG Guidelines, 2015. Collection method: clinical testing. Allele origin: germline. Affected: yes.

Literature cited by the submitters: PubMed 21196518 (cited by Labcorp Genetics (formerly Invitae), Labcorp); PubMed 24854265 (cited by Labcorp Genetics (formerly Invitae), Labcorp); PubMed 25307543 (cited by Labcorp Genetics (formerly Invitae), Labcorp).

NM_000092.5(COL4A4):c.551del (p.Gly184fs)

Gene: COL4A4 (collagen type IV alpha 4 chain; minus strand). Cytogenetic location: 2q36.3.
Variant type: Deletion.
Coding change: c.551del on transcript NM_000092.5 (MANE Select); coding-DNA position 551, one base deleted (G; older notation c.551delG).
Protein change: p.Gly184fs; shifts the reading frame from glycine 184.
Molecular consequence: frameshift variant.
Genome position (GRCh38, 1-based): chr2:227,114,635, C deleted on the plus strand (G on the coding strand, the reverse complement: COL4A4 is on the minus strand); the first of 2 consecutive C bases (chr2:227,114,635-227,114,636); deleting either gives the same sequence. VCF-style (leftmost placement, unchanged base first): chr2-227114634-AC-A. GRCh37 (hg19) VCF-style: chr2-227979350-AC-A.
Other names: short protein forms G184fs.
Identifiers: ClinVar variation 4293827 (VCV004293827.3).
Genomic context (GRCh38, chr2:227,114,634, plus strand): 5'-GCTTACCTATTTGGAAGAAAAAATTTTTTAACCCATCATGATCATAATACTTACCTGAAT[AC>A]CTTTAACGGCACCTAAAATGAACACTGAATTTCCTTTTTCTCCCTTTTCCCCAGGATGGC-3'